The following is an entry in ClinVar:

NM_000410.4(HFE):c.1022_1034del (p.His341fs)

Gene: HFE (homeostatic iron regulator; plus strand). Cytogenetic location: 6p22.2.
Variant type: Deletion.
Coding change: c.1022_1034del on transcript NM_000410.4 (MANE Select); coding-DNA positions 1022 to 1034, 13 bases deleted (ACTACGTCTTAGC).
Protein change: p.His341fs; shifts the reading frame from histidine 341.
Molecular consequence: frameshift variant. On other transcripts: intron variant (2).
Genome position (GRCh38, 1-based): chr6:26,094,201-26,094,213, ACTACGTCTTAGC deleted; deleting any 13 consecutive bases within chr6:26,094,199-26,094,213 gives the same sequence; the c. name uses the placement nearest the transcript's 3' end. VCF-style (leftmost placement, unchanged base first): chr6-26094198-GGCACTACGTCTTA-G. GRCh37 (hg19) VCF-style: chr6-26094426-GGCACTACGTCTTA-G.
Other names: c.1022_1034delACTACGTCTTAGC, p.His341Leufs (NM_000410.3); c.1022_1034del, p.His341fs (NM_001384164.1); c.1013_1025del, p.His338fs (NM_001406751.1); c.704_716del, p.His235fs (NM_139003.3); c.746_758del, p.His249fs (NM_139004.3); c.980_992del, p.His327fs (NM_139006.3); c.758_770del, p.His253fs (NM_139007.3); c.716_728del, p.His239fs (NM_139008.3); and 5 more; short protein forms H161fs, H235fs, H239fs, H249fs, H253fs, H318fs, H327fs, H341fs.
Identifiers: ClinVar variation 1071037 (VCV001071037.15), dbSNP rs1199530060, ClinGen allele CA448987979.

ClinVar aggregate classification (germline): Pathogenic. Review status: criteria provided, multiple submitters, no conflicts (2 of 4 stars). 2 submissions from 2 submitters: Pathogenic (2). Last evaluated 2024-07-06.

Conditions:
Hemochromatosis type 1 (HFE1). Also called: HFE-Associated Hereditary Hemochromatosis; HFE-Related Hemochromatosis. Identifiers: Orphanet 465508, MedGen C3469186, MONDO:0021001, OMIM 235200. Disease mechanism: loss of function.
Hereditary hemochromatosis (HFE). Identifiers: MedGen C0392514, MONDO:0006507. Disease mechanism: loss of function.

Submissions (2):

Labcorp Genetics (formerly Invitae), Labcorp
Classification: Pathogenic for Hereditary hemochromatosis. Last evaluated: 2024-07-06. Review status: criteria provided, single submitter. Criteria: Invitae Variant Classification Sherloc (09022015). Collection method: clinical testing. Allele origin: germline.
Comment: This sequence change results in a frameshift in the HFE gene (p.His341Leufs*119). While this is not anticipated to result in nonsense mediated decay, it is expected to disrupt the last 8 amino acid(s) of the HFE protein and extend the protein by 110 additional amino acid residues. This variant is not present in population databases (gnomAD no frequency). This frameshift has been observed in individuals with hemachromatosis (PMID: 21228038, 27518069). ClinVar contains an entry for this variant (Variation ID: 1071037). For these reasons, this variant has been classified as Pathogenic.

Revvity Omics, Revvity
Classification: Pathogenic for Hemochromatosis type 1. Last evaluated: 2021-12-07. Review status: criteria provided, single submitter. Criteria: ACMG Guidelines, 2015. Collection method: clinical testing. Allele origin: germline.

Literature cited by the submitters: PubMed 21228038 (cited by Labcorp Genetics (formerly Invitae), Labcorp); PubMed 27518069 (cited by Labcorp Genetics (formerly Invitae), Labcorp).